The following is an entry in ClinVar:

NM_003839.4(TNFRSF11A):c.1618A>G (p.Met540Val)

Gene: TNFRSF11A (TNF receptor superfamily member 11a; plus strand). Cytogenetic location: 18q21.33.
Variant type: single nucleotide variant.
Coding change: c.1618A>G on transcript NM_003839.4 (MANE Select); coding-DNA position 1618, A replaced by G.
Protein change: p.Met540Val; replaces methionine 540 with valine.
Molecular consequence: missense variant. On other transcripts: 3 prime UTR variant (1).
Genome position (GRCh38, 1-based): chr18:62,384,801, A>G. VCF-style: chr18-62384801-A-G. GRCh37 (hg19) VCF-style: chr18-60052034-A-G.
Other names: c.*42A>G (NM_001270949.2); c.781A>G, p.Met261Val (NM_001270950.2); c.667A>G, p.Met223Val (NM_001270951.2); c.1576A>G, p.Met526Val (NM_001278268.2); short protein forms M540V, M223V, M261V, M526V.
Identifiers: ClinVar variation 327738 (VCV000327738.13), dbSNP rs117028614, ClinGen allele CA8984009.

ClinVar aggregate classification (germline): Uncertain significance. Review status: criteria provided, multiple submitters, no conflicts (2 of 4 stars). 4 submissions from 3 submitters: Uncertain significance (4). Last evaluated 2026-01-26.

Conditions:
Disorder of bone. Also called: Bone disease; Rare bone disease related to a common gene or pathway defect; Bone disorder. Identifiers: Orphanet 364803, MedGen C0005940, MONDO:0005381.
Autosomal recessive osteopetrosis 7. Identifiers: Orphanet 178389, MedGen C2676766, MONDO:0012859, OMIM 612301.
Paget disease of bone 2, early-onset (PDB2). Also called: Paget disease of bone 2. Identifiers: MedGen C4085251, MONDO:0011183, OMIM 602080.

Allele frequency attached by ClinVar (database versions not stated): 1000 Genomes Project 30x 0.00031; 1000 Genomes Project 0.00040; TOPMed 0.00067; gnomAD 0.00076 and 0.00082; ExAC 0.00077; ESP Exome Variant Server 0.00077; gnomAD exomes 0.00092.
gnomAD v4.1: 1,431 of 1,612,244 alleles (0.089%); highest among the groups gnomAD compares: Non-Finnish European, 0.11%; no homozygotes.

Submissions (4):

Labcorp Genetics (formerly Invitae), Labcorp
Classification: Uncertain significance. Last evaluated: 2026-01-26. Review status: criteria provided, single submitter. Criteria: Invitae Variant Classification Sherloc (09022015). Collection method: clinical testing. Allele origin: germline.
Comment: This sequence change replaces methionine, which is neutral and non-polar, with valine, which is neutral and non-polar, at codon 540 of the TNFRSF11A protein (p.Met540Val). This variant is present in population databases (rs117028614, gnomAD 0.1%), and has an allele count higher than expected for a pathogenic variant. This missense change has been observed in individual(s) with TNFRSF11A-related conditions (PMID: 37076969). ClinVar contains an entry for this variant (Variation ID: 327738). An algorithm developed to predict the effect of missense changes on protein structure and function (PolyPhen-2) suggests that this variant is likely to be disruptive. In summary, the available evidence is currently insufficient to determine the role of this variant in disease. Therefore, it has been classified as a Variant of Uncertain Significance.

Genome Diagnostics Laboratory, The Hospital for Sick Children
Classification: Uncertain significance for Disorder of bone. Last evaluated: 2025-11-12. Review status: criteria provided, single submitter. Criteria: ACMG Guidelines, 2015. Collection method: clinical testing. Allele origin: germline. Affected: yes.
Comment: This missense variant results in a change of methionine to valine at position 540, and in silico analysis does not provide sufficient evidence to support or refute a potential impact on protein function and/or structure. To the best of our knowledge, this variant has not been previously reported in the scientific literature as a benign variant or a disease-causing change. This variant is observed at an allele frequency of 0.089% in populations of the Genome Aggregation Database (gnomAD). Based on the evidence above, this variant is classified as a variant of uncertain significance (ACMG criteria - PM2)

Illumina Laboratory Services, Illumina
Classification: Uncertain significance for Paget disease of bone 2, early-onset. Last evaluated: 2018-01-13. Review status: criteria provided, single submitter. Criteria: ICSL Variant Classification Criteria 13 December 2019. Collection method: clinical testing. Allele origin: germline.

Illumina Laboratory Services, Illumina
Classification: Uncertain significance for Autosomal recessive osteopetrosis 7. Last evaluated: 2018-01-13. Review status: criteria provided, single submitter. Criteria: ICSL Variant Classification Criteria 13 December 2019. Collection method: clinical testing. Allele origin: germline.

Literature cited by the submitters: PubMed 37076969 (cited by Labcorp Genetics (formerly Invitae), Labcorp).